The following is an entry in ClinVar:

NM_001122955.4(BSCL2):c.1069C>T (p.Pro357Ser)

Genes: BSCL2 (BSCL2 lipid droplet biogenesis associated, seipin; minus strand), HNRNPUL2-BSCL2 (HNRNPUL2-BSCL2 readthrough (NMD candidate); minus strand). Cytogenetic location: 11q12.3.
Variant type: single nucleotide variant.
Coding change: c.1069C>T on transcript NM_001122955.4 (MANE Select); coding-DNA position 1069, C replaced by T.
Protein change: p.Pro357Ser; replaces proline 357 with serine.
Molecular consequence: missense variant. On other transcripts: non-coding transcript variant (1), synonymous variant (1).
Genome position (GRCh38, 1-based): chr11:62,691,078, G>A on the plus strand (C>T on the coding strand, the complement: BSCL2 is on the minus strand). VCF-style: chr11-62691078-G-A. GRCh37 (hg19) VCF-style: chr11-62458550-G-A.
Other names: c.735C>T, p.Ser245= (NM_001130702.2); c.1069C>T, p.Pro357Ser (NM_001386027.1, NM_001386028.1); c.877C>T, p.Pro293Ser (NM_032667.6); c.1069C>T (NM_001122955.3); short protein forms P293S, P357S.
Identifiers: ClinVar variation 476816 (VCV000476816.13), dbSNP rs781022347, ClinGen allele CA6053349.
Genomic context (GRCh38, chr11:62,691,078, plus strand): 5'-TGGCCCAGCCCAGCTCAACCTAGCCCACCTCAACAGCTCCCCAGCCAACACCTTTACCTG[G>A]CTGATGAGCAGAGATCCTTCGTTGGACTTCCTTCCGGGAATTGTCTCTTTTTCGGATGTT-3'
Protein context (NP_001116427.1, residues 347-367): EVQRRISAHQ[Pro357Ser]GPEGQEESTP

ClinVar aggregate classification (germline): Uncertain significance. Review status: criteria provided, multiple submitters, no conflicts (2 of 4 stars). 5 submissions from 5 submitters: Uncertain significance (5). Last evaluated 2025-04-18.

Conditions:
BSCL2-related disorder. Also called: BSCL2-Related Disorders; BSCL2-related condition.
Neuronopathy, distal hereditary motor, type 5C. Also called: NEURONOPATHY, DISTAL HEREDITARY MOTOR, AUTOSOMAL DOMINANT 13; DHMN VC; NEURONOPATHY, DISTAL HEREDITARY MOTOR, HARDING TYPE VC; NEUROPATHY, DISTAL HEREDITARY MOTOR, HARDING TYPE VC; SPINAL MUSCULAR ATROPHY, DISTAL, HARDING TYPE VC. Identifiers: MedGen C5436838, MONDO:0030860, OMIM 619112.
Severe neurodegenerative syndrome with lipodystrophy. Also called: ENCEPHALOPATHY, PROGRESSIVE, WITH LIPODYSTROPHY; Encephalopathy, progressive, with or without lipodystrophy. Identifiers: Orphanet 363400, MedGen C4014700, MONDO:0014402, OMIM 615924.
Congenital generalized lipodystrophy type 2 (CGL2). Also called: BERARDINELLI SYNDROME; BRUNZELL SYNDROME, BSCL2-RELATED; SEIP SYNDROME; Berardinelli-Seip Congenital Lipodystrophy Type 2. Identifiers: Orphanet 528, Orphanet 696289, MedGen C1720863, MONDO:0010020, OMIM 269700.
Hereditary spastic paraplegia 17. Also called: Silver spastic paraplegia syndrome; Spastic Paraplegia 17; Autosomal dominant spastic paraplegia type 17; Silver Syndrome; SPASTIC PARAPLEGIA WITH AMYOTROPHY OF HANDS AND FEET. Identifiers: Orphanet 100998, MedGen C2931276, MONDO:0010043, OMIM 270685.
Inborn genetic diseases. Identifiers: MedGen C0950123, MeSH D030342.
Charcot-Marie-Tooth disease type 2. Also called: Charcot-Marie-Tooth type 2. Identifiers: Orphanet 64746, MedGen C0270914, MONDO:0018993.

Allele frequency attached by ClinVar (database versions not stated): ExAC 0.00001; gnomAD 0.00001; gnomAD exomes 0.00001 and 0.00005; TOPMed 0.00002.
gnomAD v4.1: 71 of 1,614,072 alleles (0.0044%); highest among the groups gnomAD compares: Non-Finnish European, 0.0059%; no homozygotes.

Submissions (5):

PreventionGenetics, part of Exact Sciences
Classification: Uncertain significance for BSCL2-related condition. Last evaluated: 2025-04-18. Review status: criteria provided, single submitter. Criteria: ACMG Guidelines, 2015. Collection method: clinical testing. Allele origin: germline.
Comment: The BSCL2 c.1069C>T variant is predicted to result in the amino acid substitution p.Pro357Ser. To our knowledge, this variant has not been reported in the literature. This variant is reported in 0.0026% of alleles in individuals of European (Non-Finnish) descent in gnomAD. At this time, the clinical significance of this variant is uncertain due to the absence of conclusive functional and genetic evidence.

Labcorp Genetics (formerly Invitae), Labcorp
Classification: Uncertain significance for Charcot-Marie-Tooth disease type 2. Last evaluated: 2024-08-02. Review status: criteria provided, single submitter. Criteria: Invitae Variant Classification Sherloc (09022015). Collection method: clinical testing. Allele origin: germline.
Comment: This sequence change replaces proline, which is neutral and non-polar, with serine, which is neutral and polar, at codon 293 of the BSCL2 protein (p.Pro293Ser). This variant is present in population databases (rs781022347, gnomAD 0.003%). This missense change has been observed in individual(s) with clinical features of BSCL2-related conditions (Invitae). ClinVar contains an entry for this variant (Variation ID: 476816). Advanced modeling of protein sequence and biophysical properties (such as structural, functional, and spatial information, amino acid conservation, physicochemical variation, residue mobility, and thermodynamic stability) performed at Invitae indicates that this missense variant is not expected to disrupt BSCL2 protein function with a negative predictive value of 80%. In summary, the available evidence is currently insufficient to determine the role of this variant in disease. Therefore, it has been classified as a Variant of Uncertain Significance.

GeneDx
Classification: Uncertain significance. Last evaluated: 2023-01-05. Review status: criteria provided, single submitter. Criteria: GeneDx Variant Classification Process June 2021. Collection method: clinical testing. Allele origin: germline. Affected: yes.
Comment: Not observed at significant frequency in large population cohorts (gnomAD); In silico analysis supports that this missense variant has a deleterious effect on protein structure/function; Has not been previously published as pathogenic or benign to our knowledge

Fulgent Genetics
Classification: Uncertain significance for Congenital generalized lipodystrophy type 2; Hereditary spastic paraplegia 17; Severe neurodegenerative syndrome with lipodystrophy; Neuronopathy, distal hereditary motor, type 5C. Last evaluated: 2021-09-21. Review status: criteria provided, single submitter. Criteria: ACMG Guidelines, 2015. Collection method: clinical testing. Allele origin: unknown.

Ambry Genetics
Classification: Uncertain significance for Inborn genetic diseases. Last evaluated: 2020-10-20. Review status: criteria provided, single submitter. Criteria: Ambry Variant Classification Scheme 2023. Collection method: clinical testing. Allele origin: germline.
Comment: The p.P293S variant (also known as c.877C>T), located in coding exon 7 of the BSCL2 gene, results from a C to T substitution at nucleotide position 877. The proline at codon 293 is replaced by serine, an amino acid with similar properties. This amino acid position is well conserved in available vertebrate species. In addition, this alteration is predicted to be tolerated by in silico analysis. Since supporting evidence is limited at this time, the clinical significance of this alteration remains unclear.